The following is an entry in ClinVar:

NM_000051.4(ATM):c.1911A>G (p.Gln637=)

Gene: ATM (ATM serine/threonine kinase; plus strand). Cytogenetic location: 11q22.3.
Variant type: single nucleotide variant.
Coding change: c.1911A>G on transcript NM_000051.4 (MANE Select); coding-DNA position 1911, A replaced by G.
Protein change: p.Gln637=; no amino-acid change (glutamine 637 retained).
Molecular consequence: synonymous variant.
Genome position (GRCh38, 1-based): chr11:108,253,826, A>G. VCF-style: chr11-108253826-A-G. GRCh37 (hg19) VCF-style: chr11-108124553-A-G.
Other names: c.1911A>G, p.Gln637= (NM_001351834.2).
Identifiers: ClinVar variation 229864 (VCV000229864.24), dbSNP rs764790965, ClinGen allele CA6264911.

ClinVar aggregate classification (germline): Benign/Likely benign. Review status: criteria provided, multiple submitters, no conflicts (2 of 4 stars). 10 submissions from 10 submitters: Benign (1); Likely benign (8). 1 of the submissions does not count toward it. Last evaluated 2026-01-04.

Conditions:
Hereditary cancer-predisposing syndrome. Also called: Neoplastic Syndromes, Hereditary; Hereditary Cancer Syndrome; Tumor predisposition; Hereditary neoplastic syndrome. Identifiers: Orphanet 140162, MedGen C0027672, MeSH D009386, MONDO:0015356.
Familial cancer of breast. Also called: hereditary breast carcinoma; Hereditary breast cancer; BREAST CANCER, FAMILIAL. Identifiers: Orphanet 227535, MedGen C0346153, MONDO:0016419, OMIM 114480. Disease mechanism: loss of function.
Ataxia-telangiectasia syndrome (AT). Also called: LOUIS-BAR SYNDROME; Ataxia-telangiectasia, complementation group D; AT, COMPLEMENTATION GROUP C; Ataxia-telangiectasia, complementation group E; Ataxia telangiectasia (A-T); Cerebello-oculocutaneous telangiectasia. Identifiers: Orphanet 100, MedGen C0004135, MONDO:0008840, OMIM 208900.
ATM-related disorder. Also called: ATM-related disorders; ATM-related condition.

Allele frequency attached by ClinVar (database versions not stated): gnomAD exomes 0.00001 and 0.00002; ExAC 0.00002; gnomAD 0.00009; TOPMed 0.00009.
gnomAD v4.1: 25 of 1,613,408 alleles (0.0015%); highest among the groups gnomAD compares: African/African-American, 0.024%; no homozygotes.

Submissions (10):

Labcorp Genetics (formerly Invitae), Labcorp
Classification: Likely benign for Ataxia-telangiectasia syndrome. Last evaluated: 2026-01-04. Review status: criteria provided, single submitter. Criteria: Invitae Variant Classification Sherloc (09022015). Collection method: clinical testing. Allele origin: germline.

Quest Diagnostics Nichols Institute San Juan Capistrano
Classification: Likely benign. Last evaluated: 2025-08-07. Review status: criteria provided, single submitter. Criteria: Quest Diagnostics criteria. Collection method: clinical testing. Allele origin: unknown.

Institute for Biomarker Research, Medical Diagnostic Laboratories, L.L.C.
Classification: Likely benign for Hereditary cancer-predisposing syndrome. Last evaluated: 2025-02-06. Review status: criteria provided, single submitter. Criteria: ACMG Guidelines, 2015. Collection method: clinical testing. Allele origin: germline.
Comment: The synonymous variant NM_000051.4(ATM):c.1911A>G (p.Gln637=) has been reported to ClinVar as Benign/Likely benign with a status of (2 stars) criteria provided, multiple submitters, no conflicts (Variation ID 229864 as of 2025-01-02). The p.Gln637= variant is not predicted to disrupt the existing acceptor splice site 13bp upstream by any splice site algorithm. The p.Gln637= variant results in a substitution of a base that is not predicted conserved by GERP++ and PhyloP. For these reasons, this variant has been classified as Likely Benign.

Blueprint Genetics
Classification: Likely benign. Last evaluated: 2024-11-22. Review status: criteria provided, single submitter. Criteria: ACMG Guidelines, 2015. Collection method: clinical testing. Allele origin: germline.

Myriad Genetics, Inc.
Classification: Benign for Familial cancer of breast. Last evaluated: 2024-05-02. Review status: criteria provided, single submitter. Criteria: Myriad Autosomal Dominant, Autosomal Recessive and X-Linked Classification Criteria (2023). Collection method: clinical testing. Allele origin: unknown.
Comment: This variant is considered benign. This variant is a silent/synonymous amino acid change and it is not expected to impact splicing.

Sema4
Classification: Likely benign for Hereditary cancer-predisposing syndrome. Last evaluated: 2021-08-10. Review status: criteria provided, single submitter. Criteria: Sema4 Curation Guidelines. Collection method: curation. Allele origin: germline.

GeneDx
Classification: Likely benign. Last evaluated: 2021-05-21. Review status: criteria provided, single submitter. Criteria: GeneDx Variant Classification Process June 2021. Collection method: clinical testing. Allele origin: germline. Affected: yes.

Color Diagnostics, LLC DBA Color Health
Classification: Likely benign for Hereditary cancer-predisposing syndrome. Last evaluated: 2016-08-01. Review status: criteria provided, single submitter. Criteria: ACMG Guidelines, 2015. Collection method: clinical testing. Allele origin: germline.

Ambry Genetics
Classification: Likely benign for Hereditary cancer-predisposing syndrome. Last evaluated: 2015-01-02. Review status: criteria provided, single submitter. Criteria: Ambry Variant Classification Scheme 2023. Collection method: clinical testing. Allele origin: germline.

PreventionGenetics, part of Exact Sciences
Classification: Uncertain significance for ATM-related condition. Last evaluated: 2024-05-06. Review status: no assertion criteria provided. Collection method: clinical testing. Allele origin: germline. Not counted in ClinVar's aggregate classification.
Comment: The ATM c.1911A>G variant is not predicted to result in an amino acid change (p.=). To our knowledge, this variant has not been reported in the literature. This variant is reported in 0.016% of alleles in individuals of African descent in gnomAD, which may be too frequent to be a primary cause of disease. Although we suspect that this variant may be benign, at this time, the clinical significance of this variant is uncertain due to the absence of conclusive functional and genetic evidence.